The following is an entry in ClinVar:

NM_001267550.2(TTN):c.27312A>G (p.Thr9104=)

Gene: TTN (titin; minus strand). Cytogenetic location: 2q31.2.
Variant type: single nucleotide variant.
Coding change: c.27312A>G on transcript NM_001267550.2 (MANE Select); coding-DNA position 27312, A replaced by G.
Protein change: p.Thr9104=; no amino-acid change (threonine 9104 retained).
Molecular consequence: synonymous variant. On other transcripts: intron variant (3).
Genome position (GRCh38, 1-based): chr2:178,712,713, T>C on the plus strand (A>G on the coding strand, the complement: TTN is on the minus strand). VCF-style: chr2-178712713-T-C. GRCh37 (hg19) VCF-style: chr2-179577440-T-C.
Other names: c.26361A>G, p.Thr8787= (NM_001256850.1); c.23580A>G, p.Thr7860= (NM_133378.4); c.13282+25369A>G (NM_003319.4); c.13858+25369A>G (NM_133437.4); c.13657+25369A>G (NM_133432.3).
Identifiers: ClinVar variation 1122891 (VCV001122891.43), dbSNP rs192433938, ClinGen allele CA60965831.
Genomic context (GRCh38, chr2:178,712,713, plus strand): 5'-TCTAATTACTAATCGTATAAATCTAGAAGAGCAGTCTGACAAACCTTTTATGTAGAGATG[T>C]GTTGTACAAGAAGCCTTGCCAGCTTCATTGCTAACTATGCAAGTATATTCTCCACTTTGT-3'
Protein context (NP_001254479.2, residues 9094-9114): SNEAGKASCT[Thr9104=]HLYIKAPAKF

ClinVar aggregate classification (germline): Likely benign. Review status: criteria provided, multiple submitters, no conflicts (2 of 4 stars). 4 submissions from 4 submitters: Likely benign (2). 2 of the submissions do not count toward it. Last evaluated 2025-09-10.

Conditions:
Dilated cardiomyopathy 1G (CMD1G). Identifiers: Orphanet 154, MedGen C1858763, MONDO:0011400, OMIM 604145.
Autosomal recessive limb-girdle muscular dystrophy type 2J (LGMDR10). Also called: MUSCULAR DYSTROPHY, LIMB-GIRDLE, AUTOSOMAL RECESSIVE 10; Limb-girdle muscular dystrophy, type 2J. Identifiers: Orphanet 140922, MedGen C1837342, MONDO:0012127, OMIM 608807.

Allele frequency attached by ClinVar (database versions not stated): gnomAD 0.00001; gnomAD exomes 0.00001; 1000 Genomes Project 30x 0.00016; 1000 Genomes Project 0.00020.
gnomAD v4.1: 16 of 1,613,570 alleles (0.00099%); highest among the groups gnomAD compares: East Asian, 0.0022%; no homozygotes.

Submissions (4):

Labcorp Genetics (formerly Invitae), Labcorp
Classification: Likely benign for Dilated cardiomyopathy 1G; Autosomal recessive limb-girdle muscular dystrophy type 2J. Last evaluated: 2025-09-10. Review status: criteria provided, single submitter. Criteria: Invitae Variant Classification Sherloc (09022015). Collection method: clinical testing. Allele origin: germline.

CeGaT Center for Human Genetics Tuebingen
Classification: Likely benign. Last evaluated: 2022-03-01. Review status: criteria provided, single submitter. Criteria: CeGaT Center For Human Genetics Tuebingen Variant Classification Criteria Version 2. Collection method: clinical testing. Allele origin: germline. Affected: yes. Observed: 1 variant allele.
Comment: TTN: BP4, BP7

Clinical Genetics, Academic Medical Center
Classification: Benign. Review status: no assertion criteria provided. Collection method: clinical testing. Allele origin: germline. Affected: yes. Study: VKGL Data-share Consensus. Not counted in ClinVar's aggregate classification.

Diagnostic Laboratory, Department of Genetics, University Medical Center Groningen
Classification: Likely benign. Review status: no assertion criteria provided. Collection method: clinical testing. Allele origin: germline. Affected: yes. Study: VKGL Data-share Consensus. Not counted in ClinVar's aggregate classification.